The following is an entry in ClinVar:

NM_001918.5(DBT):c.533G>A (p.Arg178His)

Gene: DBT (dihydrolipoamide branched chain transacylase E2; minus strand). Cytogenetic location: 1p21.2.
Variant type: single nucleotide variant.
Coding change: c.533G>A on transcript NM_001918.5 (MANE Select); coding-DNA position 533, G replaced by A.
Protein change: p.Arg178His; replaces arginine 178 with histidine.
Molecular consequence: missense variant. On other transcripts: non-coding transcript variant (4), 5 prime UTR variant (2).
Genome position (GRCh38, 1-based): chr1:100,218,648, C>T on the plus strand (G>A on the coding strand, the complement: DBT is on the minus strand). VCF-style: chr1-100218648-C-T. GRCh37 (hg19) VCF-style: chr1-100684204-C-T.
Other names: c.-11G>A (NM_001399969.1, NM_001399972.1); short protein forms R178H.
Identifiers: ClinVar variation 2157270 (VCV002157270.1), dbSNP rs139251881, ClinGen allele CA969720.

ClinVar aggregate classification (germline): Uncertain significance (1 of 4 stars; one submission).

Conditions:
Maple syrup urine disease (MSUD). Identifiers: Orphanet 511, MedGen C0024776, MeSH D008375, MONDO:0009563. Disease mechanism: loss of function.

Allele frequency attached by ClinVar (database versions not stated): gnomAD exomes 0.00001; TOPMed 0.00002; gnomAD 0.00003; ExAC 0.00006; ESP Exome Variant Server 0.00023.
gnomAD v4.1: 26 of 1,613,760 alleles (0.0016%); highest among the groups gnomAD compares: African/African-American, 0.004%; no homozygotes.

Submission:

Labcorp Genetics (formerly Invitae), Labcorp
Classification: Uncertain significance for Maple syrup urine disease. Last evaluated: 2022-03-09. Review status: criteria provided, single submitter. Criteria: Invitae Variant Classification Sherloc (09022015). Collection method: clinical testing. Allele origin: germline.
Comment: This sequence change replaces arginine, which is basic and polar, with histidine, which is basic and polar, at codon 178 of the DBT protein (p.Arg178His). This variant is present in population databases (rs139251881, gnomAD 0.02%). This variant has not been reported in the literature in individuals affected with DBT-related conditions. Advanced modeling of protein sequence and biophysical properties (such as structural, functional, and spatial information, amino acid conservation, physicochemical variation, residue mobility, and thermodynamic stability) performed at Invitae indicates that this missense variant is expected to disrupt DBT protein function. In summary, the available evidence is currently insufficient to determine the role of this variant in disease. Therefore, it has been classified as a Variant of Uncertain Significance.